The following is an entry in ClinVar:

ClinVar aggregate classification (germline): Pathogenic (1 of 4 stars; one submission).

Conditions:
Congenital hyperammonemia, type I. Also called: CPS I DEFICIENCY; Carbamoyl phosphate synthetase 1 deficiency; Hyperammonemia due to carbamoyl phosphate synthetase 1 deficiency; CPS 1 deficiency; Carbamyl phosphate synthetase (CPS) deficiency; Carbamoyl phosphate synthetase I deficiency disease. Identifiers: Orphanet 147, MedGen C4082171, MONDO:0009376, OMIM 237300.

Submission:

Myriad Genetics, Inc.
Classification: Pathogenic for Congenital hyperammonemia, type I. Last evaluated: 2025-11-22. Review status: criteria provided, single submitter. Criteria: Myriad Autosomal Dominant, Autosomal Recessive and X-Linked Classification Criteria (2023). Collection method: clinical testing. Allele origin: unknown.
Comment: NM_001875.4(CPS1):c.2328G>A(W776*) is expected to be pathogenic in the context of carbamoylphosphate synthetase I deficiency. This variant is predicted to lead to an abnormal or absent protein product due to the creation of a premature termination codon in CPS1, a gene where loss-of-function variants are known to be pathogenic. Please note: this variant was assessed in the context of healthy population screening.

NM_001875.5(CPS1):c.2328G>A (p.Trp776Ter)

Gene: CPS1 (carbamoyl-phosphate synthase 1; plus strand). Cytogenetic location: 2q34.
Variant type: single nucleotide variant.
Coding change: c.2328G>A on transcript NM_001875.5 (MANE Select); coding-DNA position 2328, G replaced by A.
Protein change: p.Trp776Ter; replaces tryptophan 776 with a stop codon.
Molecular consequence: nonsense. On other transcripts: non-coding transcript variant (2).
Genome position (GRCh38, 1-based): chr2:210,608,496, G>A. VCF-style: chr2-210608496-G-A. GRCh37 (hg19) VCF-style: chr2-211473220-G-A.
Other names: c.2328G>A, p.Trp776Ter (NM_001122633.3, NM_001369257.1); c.2361G>A, p.Trp787Ter (NM_001369256.1); short protein forms W776*, W787*.
Identifiers: ClinVar variation 5015247 (VCV005015247.1).